The following is an entry in ClinVar:

ClinVar aggregate classification (germline): Likely pathogenic. Review status: criteria provided, single submitter (1 of 4 stars). 2 submissions from 2 submitters: Likely pathogenic (1). 1 of the submissions does not count toward it. Last evaluated 2019-10-14.

Conditions:
Lynch syndrome. Identifiers: Orphanet 144, MedGen C4552100, MONDO:0005835. Disease mechanism: loss of function.

gnomAD v4.1: 13 of 1,413,488 alleles (0.00092%); highest among the groups gnomAD compares: Non-Finnish European, 0.0012%; no homozygotes.

Submissions (2):

Laboratory for Molecular Medicine, Mass General Brigham Personalized Medicine
Classification: Likely pathogenic for Lynch syndrome. Last evaluated: 2019-10-14. Review status: criteria provided, single submitter. Criteria: ACMG Guidelines, 2015. Collection method: clinical testing. Allele origin: germline.
Comment: The c.260+2T>A variant in MSH6 has not been previously reported in individuals with Lynch syndrome or in large population studies but has been reported by other clinical laboratories in ClinVar (Variation ID 492704). This variant occurs within the canonical splice site (+/- 1,2) and is predicted to cause altered splicing leading to an abnormal or absent protein. Heterozygous loss-of-function of the MSH6 gene is an established disease mechanism in individuals with Lynch syndrome. In summary, this variant meets criteria to be classified as likely pathogenic for autosomal dominant Lynch syndrome based upon predicted impact to the protein and absence in controls. ACMG/AMP criteria applied: PVS1, PM2.

Mayo Clinic Laboratories, Mayo Clinic
Classification: Likely pathogenic. Review status: no assertion criteria provided. Collection method: clinical testing. Allele origin: unknown. Not counted in ClinVar's aggregate classification.

NM_000179.3(MSH6):c.260+2T>A

Genes: MSH6 (mutS homolog 6; plus strand), LOC129933707 (ATAC-STARR-seq lymphoblastoid silent region 11468; plus strand). Cytogenetic location: 2p16.3.
Variant type: single nucleotide variant.
Coding change: c.260+2T>A on transcript NM_000179.3 (MANE Select); the canonical splice donor site of the intron after coding-DNA position 260, T replaced by A.
Molecular consequence: splice donor variant. On other transcripts: intron variant (7).
Genome position (GRCh38, 1-based): chr2:47,783,495, T>A. VCF-style: chr2-47783495-T-A. GRCh37 (hg19) VCF-style: chr2-48010634-T-A.
Other names: c.260+2T>A (NM_001406809.1, NM_001406796.1, NM_001406795.1 and 8 more transcripts); c.-477+2T>A (NM_001406811.1, NM_001281493.2); c.-38+264T>A (NM_001406805.1, NM_001406797.1, NM_001406801.1); c.-669+2T>A (NM_001406807.1); c.-735+2T>A (NM_001406814.1); c.-324+2T>A (NM_001406812.1); c.-69+2T>A (NM_001406799.1); c.-280+2T>A (NM_001406816.1); and 4 more.
Identifiers: ClinVar variation 492704 (VCV000492704.6), dbSNP rs1553408469, ClinGen allele CA346735205.